The following is an entry in ClinVar:

NM_000051.4(ATM):c.7679T>A (p.Ile2560Lys)

Genes: ATM (ATM serine/threonine kinase; plus strand), C11orf65 (chromosome 11 open reading frame 65; minus strand). Cytogenetic location: 11q22.3.
Variant type: single nucleotide variant.
Coding change: c.7679T>A on transcript NM_000051.4 (MANE Select); coding-DNA position 7679, T replaced by A.
Protein change: p.Ile2560Lys; replaces isoleucine 2560 with lysine.
Molecular consequence: missense variant. On other transcripts: intron variant (2).
Genome position (GRCh38, 1-based): chr11:108,331,928, T>A. VCF-style: chr11-108331928-T-A. GRCh37 (hg19) VCF-style: chr11-108202655-T-A.
Other names: c.7679T>A, p.Ile2560Lys (NM_001351834.2); c.641-22857A>T (NM_001330368.2); c.*38+3292A>T (NM_001351110.2); short protein forms I2560K.
Identifiers: ClinVar variation 2856756 (VCV002856756.3), dbSNP rs2086294390, ClinGen allele CA382560992.

ClinVar aggregate classification (germline): Uncertain significance (1 of 4 stars; one submission).

Conditions:
Ataxia-telangiectasia syndrome (AT). Also called: LOUIS-BAR SYNDROME; Cerebello-oculocutaneous telangiectasia; Immunodeficiency with ataxia telangiectasia; Ataxia telangiectasia (A-T); Ataxia-telangiectasia, complementation group D; AT, COMPLEMENTATION GROUP C. Identifiers: Orphanet 100, MedGen C0004135, MONDO:0008840, OMIM 208900.

Submission:

Labcorp Genetics (formerly Invitae), Labcorp
Classification: Uncertain significance for Ataxia-telangiectasia syndrome. Last evaluated: 2025-03-12. Review status: criteria provided, single submitter. Criteria: Invitae Variant Classification Sherloc (09022015). Collection method: clinical testing. Allele origin: germline.
Comment: This sequence change replaces isoleucine, which is neutral and non-polar, with lysine, which is basic and polar, at codon 2560 of the ATM protein (p.Ile2560Lys). This variant is not present in population databases (gnomAD no frequency). This variant has not been reported in the literature in individuals affected with ATM-related conditions. ClinVar contains an entry for this variant (Variation ID: 2856756). Invitae Evidence Modeling of protein sequence and biophysical properties (such as structural, functional, and spatial information, amino acid conservation, physicochemical variation, residue mobility, and thermodynamic stability) indicates that this missense variant is expected to disrupt ATM protein function with a positive predictive value of 95%. In summary, the available evidence is currently insufficient to determine the role of this variant in disease. Therefore, it has been classified as a Variant of Uncertain Significance.